The following is an entry in ClinVar:

NM_004447.6(EPS8):c.2226-3del

Gene: EPS8 (EGFR pathway substrate 8, signaling adaptor; minus strand). Cytogenetic location: 12p12.3.
Variant type: Deletion.
Coding change: c.2226-3del on transcript NM_004447.6 (MANE Select); 3 bases into the intron before coding-DNA position 2226, one base deleted (T; older notation c.2226-3delT).
Molecular consequence: intron variant.
Genome position (GRCh38, 1-based): chr12:15,623,290, A deleted on the plus strand (T on the coding strand, the reverse complement: EPS8 is on the minus strand); the first of 13 consecutive A bases (chr12:15,623,290-15,623,302); deleting any one gives the same sequence. VCF-style (leftmost placement, unchanged base first): chr12-15623289-TA-T. GRCh37 (hg19) VCF-style: chr12-15776223-TA-T.
Other names: NC_000012.11:g.15776236del; p.?; c.2226-15del (NM_004447.6).
Identifiers: ClinVar variation 666690 (VCV000666690.11), dbSNP rs35885542, ClinGen allele CA6467313.

ClinVar aggregate classification (germline): Benign/Likely benign. Review status: criteria provided, multiple submitters, no conflicts (2 of 4 stars). 3 submissions from 3 submitters: Benign (2); Likely benign (1). Last evaluated 2025-07-28.

Submissions (9):

Labcorp Genetics (formerly Invitae), Labcorp
Classification: Benign. Last evaluated: 2025-07-28. Review status: criteria provided, single submitter. Criteria: Invitae Variant Classification Sherloc (09022015). Collection method: clinical testing. Allele origin: germline.

Mayo Clinic Laboratories, Mayo Clinic
Classification: Benign. Last evaluated: 2023-02-27. Review status: criteria provided, single submitter. Criteria: ACMG Guidelines, 2015. Collection method: clinical testing. Allele origin: germline. Observed: 28 variant alleles.
Comment: BA1

Laboratory for Molecular Medicine, Mass General Brigham Personalized Medicine
Classification: Likely benign. Last evaluated: 2018-05-07. Review status: criteria provided, single submitter. Criteria: LMM Criteria. Collection method: clinical testing. Allele origin: germline. Observed: 1 variant allele.
Comment: c.2226-3delT in intron 19 of EPS8: This variant is likely benign because it is n ot predicted to impact splicing. Furthermore, this variant is a deletion of 1 of 13 consecutive Ts in the intron, which is a repetivie region without known fu nction. ACMG/AMP Criteria applied: BP3, BP4.

Dr. Peter K. Rogan Lab, Western University
No classification provided (evidence only). Condition: Adrenocortical carcinoma, hereditary. Review status: no classification provided. Collection method: in vitro. Allele origin: not applicable. Functional consequence: retained intron. Not counted in ClinVar's aggregate classification.

Dr. Peter K. Rogan Lab, Western University
No classification provided (evidence only). Condition: Adrenocortical carcinoma, hereditary. Review status: no classification provided. Collection method: in vitro. Allele origin: not applicable. Functional consequence: retained intron. Not counted in ClinVar's aggregate classification.

Dr. Peter K. Rogan Lab, Western University
No classification provided (evidence only). Condition: Cholangiocarcinoma. Review status: no classification provided. Collection method: in vitro. Allele origin: not applicable. Functional consequence: retained intron. Not counted in ClinVar's aggregate classification.

Dr. Peter K. Rogan Lab, Western University
No classification provided (evidence only). Condition: Cholangiocarcinoma. Review status: no classification provided. Collection method: in vitro. Allele origin: not applicable. Functional consequence: skipped exon. Not counted in ClinVar's aggregate classification.

Dr. Peter K. Rogan Lab, Western University
No classification provided (evidence only). Condition: Uterine corpus endometrial carcinoma. Review status: no classification provided. Collection method: in vitro. Allele origin: not applicable. Functional consequence: retained intron. Not counted in ClinVar's aggregate classification.

Dr. Peter K. Rogan Lab, Western University
No classification provided (evidence only). Condition: Gastric cancer. Review status: no classification provided. Collection method: in vitro. Allele origin: not applicable. Functional consequence: retained intron. Not counted in ClinVar's aggregate classification.